The following is an entry in ClinVar:

NM_020738.4(KIDINS220):c.3196C>T (p.Arg1066Cys)

Gene: KIDINS220 (kinase D interacting substrate 220; minus strand). Cytogenetic location: 2p25.1.
Variant type: single nucleotide variant.
Coding change: c.3196C>T on transcript NM_020738.4 (MANE Select); coding-DNA position 3196, C replaced by T.
Protein change: p.Arg1066Cys; replaces arginine 1066 with cysteine.
Molecular consequence: missense variant. On other transcripts: non-coding transcript variant (2).
Genome position (GRCh38, 1-based): chr2:8,750,330, G>A on the plus strand (C>T on the coding strand, the complement: KIDINS220 is on the minus strand). VCF-style: chr2-8750330-G-A. GRCh37 (hg19) VCF-style: chr2-8890460-G-A.
Other names: c.3199C>T, p.Arg1067Cys (NM_001348729.2, NM_001348731.2, NM_001348739.2 and 2 more transcripts); c.3196C>T, p.Arg1066Cys (NM_001348732.2, NM_001348738.2, NM_001348742.2 and 3 more transcripts); c.3070C>T, p.Arg1024Cys (NM_001348736.2); short protein forms R1024C, R1066C, R1067C.
Identifiers: ClinVar variation 2634384 (VCV002634384.2), dbSNP rs752120155, ClinGen allele CA1519734.
Genomic context (GRCh38, chr2:8,750,330, plus strand): 5'-CATGTAGAGGGAGCGGGGGGTACGCCAGTCCTCCAATACTGATCTGCTCTCTGGCAGCAC[G>A]AACATCTGAAAGATTCAATCAGACCCCAGAAGGCAAGAGAAAACAGGACATTAGGAATCA-3'
Protein context (NP_065789.1, residues 1056-1076): PKLREIIADV[Arg1066Cys]AAREQISIGG

ClinVar aggregate classification (germline): Uncertain significance (0 of 4 stars; one submission).

Conditions:
KIDINS220-related disorder. Also called: KIDINS220-related condition.

Allele frequency attached by ClinVar (database versions not stated): ExAC 0.00001; gnomAD 0.00001; TOPMed 0.00001.
gnomAD v4.1: 15 of 1,554,872 alleles (0.00096%); highest among the groups gnomAD compares: African/African-American, 0.0054%; no homozygotes.

Submission:

PreventionGenetics, part of Exact Sciences
Classification: Uncertain significance for KIDINS220-related condition. Last evaluated: 2024-05-30. Review status: no assertion criteria provided. Collection method: clinical testing. Allele origin: germline.
Comment: The KIDINS220 c.3196C>T variant is predicted to result in the amino acid substitution p.Arg1066Cys. To our knowledge, this variant has not been reported in the literature. This variant is reported in 0.017% of alleles in individuals of African descent in gnomAD. At this time, the clinical significance of this variant is uncertain due to the absence of conclusive functional and genetic evidence.